The following is an entry in ClinVar:

ClinVar aggregate classification (germline): Likely benign (1 of 4 stars; one submission).

Conditions:
Seizures, benign familial infantile, 3 (BFIS3). Also called: CONVULSIONS, BENIGN FAMILIAL INFANTILE, 3; Familial neonatal seizures. Identifiers: Orphanet 140927, Orphanet 306, MedGen C1843140, MONDO:0011904, OMIM 607745.

Allele frequency attached by ClinVar (database versions not stated): 1000 Genomes Project 0.00080; 1000 Genomes Project 30x 0.00094; gnomAD 0.00113 and 0.00123; TOPMed 0.00125.
gnomAD v4.1: 169 of 152,448 alleles (0.11%); highest among the groups gnomAD compares: African/African-American, 0.39%; no homozygotes.

Submission:

Illumina Laboratory Services, Illumina
Classification: Likely benign for Seizures, benign familial infantile, 3. Last evaluated: 2018-01-13. Review status: criteria provided, single submitter. Criteria: ICSL Variant Classification Criteria 13 December 2019. Collection method: clinical testing. Allele origin: germline.
Comment: This variant was observed in the ICSL laboratory as part of a predisposition screen in an ostensibly healthy population. It had not been previously curated by ICSL or reported in the Human Gene Mutation Database (HGMD: prior to June 1st, 2018), and was therefore a candidate for classification through an automated scoring system. Utilizing variant allele frequency, disease prevalence and penetrance estimates, and inheritance mode, an automated score was calculated to assess if this variant is too frequent to cause the disease. Based on the score and internal cut-off values, a variant classified as likely benign is not then subjected to further curation. The score for this variant resulted in a classification of likely benign for this disease.

NM_001040142.2(SCN2A):c.*2480A>G

Gene: SCN2A (sodium voltage-gated channel alpha subunit 2; plus strand). Cytogenetic location: 2q24.3.
Variant type: single nucleotide variant.
Coding change: c.*2480A>G on transcript NM_001040142.2 (MANE Select); 2480 bases downstream of the stop codon, A replaced by G.
Molecular consequence: 3 prime UTR variant.
Genome position (GRCh38, 1-based): chr2:165,392,304, A>G. VCF-style: chr2-165392304-A-G. GRCh37 (hg19) VCF-style: chr2-166248814-A-G.
Other names: c.*2480A>G (NM_001040143.2, NM_001371246.1, NM_001371247.1 and 1 more transcripts).
Identifiers: ClinVar variation 894026 (VCV000894026.4), dbSNP rs184839439, ClinGen allele CA59754973.